The following is an entry in ClinVar:

ClinVar aggregate classification (germline): Uncertain significance (1 of 4 stars; one submission).

Allele frequency attached by ClinVar (database versions not stated): gnomAD 0.00001.
gnomAD v4.1: 1 of 1,614,030 alleles (0.000062%); highest among the groups gnomAD compares: Admixed American, 0.0017%; no homozygotes.

Submission:

GeneDx
Classification: Uncertain significance. Last evaluated: 2022-05-19. Review status: criteria provided, single submitter. Criteria: GeneDx Variant Classification Process June 2021. Collection method: clinical testing. Allele origin: germline. Affected: yes.
Comment: Not observed at significant frequency in large population cohorts (gnomAD); In silico analysis supports that this missense variant does not alter protein structure/function; Has not been previously published as pathogenic or benign to our knowledge

NM_005909.5(MAP1B):c.6869C>T (p.Pro2290Leu)

Gene: MAP1B (microtubule associated protein 1B; plus strand). Cytogenetic location: 5q13.2.
Variant type: single nucleotide variant.
Coding change: c.6869C>T on transcript NM_005909.5 (MANE Select); coding-DNA position 6869, C replaced by T.
Protein change: p.Pro2290Leu; replaces proline 2290 with leucine.
Molecular consequence: missense variant.
Genome position (GRCh38, 1-based): chr5:72,200,224, C>T. VCF-style: chr5-72200224-C-T. GRCh37 (hg19) VCF-style: chr5-71496051-C-T.
Other names: c.6491C>T, p.Pro2164Leu (NM_001324255.2); short protein forms P2164L, P2290L.
Identifiers: ClinVar variation 1800669 (VCV001800669.1), dbSNP rs1747300660, ClinGen allele CA360023833.